The following is an entry in ClinVar:

NM_020831.6(MRTFA):c.1288C>T (p.Arg430Cys)

Gene: MRTFA (myocardin related transcription factor A; minus strand). Cytogenetic location: 22q13.1.
Variant type: single nucleotide variant.
Coding change: c.1288C>T on transcript NM_020831.6 (MANE Select); coding-DNA position 1288, C replaced by T.
Protein change: p.Arg430Cys; replaces arginine 430 with cysteine.
Molecular consequence: missense variant.
Genome position (GRCh38, 1-based): chr22:40,420,470, G>A on the plus strand (C>T on the coding strand, the complement: MRTFA is on the minus strand). VCF-style: chr22-40420470-G-A. GRCh37 (hg19) VCF-style: chr22-40816474-G-A.
Other names: c.988C>T, p.Arg330Cys (NM_001282660.2); c.1138C>T, p.Arg380Cys (NM_001282661.3); c.1288C>T, p.Arg430Cys (NM_001282662.3); c.1093C>T, p.Arg365Cys (NM_001318139.2); short protein forms R330C, R365C, R380C, R430C.
Identifiers: ClinVar variation 3700472 (VCV003700472.2).
Genomic context (GRCh38, chr22:40,420,470, plus strand): 5'-TGTCGTCCAGGTTGGCCGGCAGGGCTCCCGGCTTGCCAGTCAGTGAGGTGCTGTTCTGAC[G>A]TGCCAGCCCACAGGGCCCAGGGGCGCCCGAGCTGGAGCTGCTATTGGTAGTGGAGAGGCT-3'
Protein context (NP_065882.2, residues 420-440): SGAPGPCGLA[Arg430Cys]QNSTSLTGKP

ClinVar aggregate classification (germline): Uncertain significance (1 of 4 stars; one submission).

gnomAD v4.1: 13 of 1,613,780 alleles (0.00081%); highest among the groups gnomAD compares: South Asian, 0.0044%; no homozygotes.

Submission:

Labcorp Genetics (formerly Invitae), Labcorp
Classification: Uncertain significance. Last evaluated: 2024-09-09. Review status: criteria provided, single submitter. Criteria: Invitae Variant Classification Sherloc (09022015). Collection method: clinical testing. Allele origin: germline.
Comment: This sequence change replaces arginine, which is basic and polar, with cysteine, which is neutral and slightly polar, at codon 330 of the MKL1 protein (p.Arg330Cys). This variant is present in population databases (no rsID available, gnomAD 0.01%). This variant has not been reported in the literature in individuals affected with MKL1-related conditions. An algorithm developed to predict the effect of missense changes on protein structure and function (PolyPhen-2) suggests that this variant is likely to be disruptive. In summary, the available evidence is currently insufficient to determine the role of this variant in disease. Therefore, it has been classified as a Variant of Uncertain Significance.